The following is an entry in ClinVar:

ClinVar aggregate classification (germline): Uncertain significance (1 of 4 stars; one submission).

Conditions:
Autosomal recessive distal spinal muscular atrophy 2. Also called: NEUROPATHY, DISTAL HEREDITARY MOTOR, AUTOSOMAL RECESSIVE 2; NEURONOPATHY, DISTAL HEREDITARY MOTOR, JERASH TYPE; NEUROPATHY, DISTAL HEREDITARY MOTOR, JERASH TYPE; SPINAL MUSCULAR ATROPHY, JERASH TYPE; Hereditary motor neuropathy, Jerash type; Motor neuropathy, distal, Jerash type. Identifiers: Orphanet 139552, MedGen C1854023, MONDO:0011585, OMIM 605726.
Amyotrophic lateral sclerosis type 16. Also called: AMYOTROPHIC LATERAL SCLEROSIS 16, JUVENILE. Identifiers: Orphanet 300605, MedGen C3280587, MONDO:0013715, OMIM 614373.

Submission:

Labcorp Genetics (formerly Invitae), Labcorp
Classification: Uncertain significance for Autosomal recessive distal spinal muscular atrophy 2; Amyotrophic lateral sclerosis type 16. Last evaluated: 2021-11-23. Review status: criteria provided, single submitter. Criteria: Invitae Variant Classification Sherloc (09022015). Collection method: clinical testing. Allele origin: germline.
Comment: This sequence change replaces glycine, which is neutral and non-polar, with glutamic acid, which is acidic and polar, at codon 51 of the SIGMAR1 protein (p.Gly51Glu). This variant is not present in population databases (gnomAD no frequency). This variant has not been reported in the literature in individuals affected with SIGMAR1-related conditions. Algorithms developed to predict the effect of missense changes on protein structure and function are either unavailable or do not agree on the potential impact of this missense change (SIFT: "Deleterious"; PolyPhen-2: "Possibly Damaging"; Align-GVGD: "Class C15"). In summary, the available evidence is currently insufficient to determine the role of this variant in disease. Therefore, it has been classified as a Variant of Uncertain Significance.

NM_005866.4(SIGMAR1):c.152G>A (p.Gly51Glu)

Gene: SIGMAR1 (sigma receptor chaperone 1; minus strand). Cytogenetic location: 9p13.3.
Variant type: single nucleotide variant.
Coding change: c.152G>A on transcript NM_005866.4 (MANE Select); coding-DNA position 152, G replaced by A.
Protein change: p.Gly51Glu; replaces glycine 51 with glutamic acid.
Molecular consequence: missense variant. On other transcripts: 5 prime UTR variant (1), non-coding transcript variant (1).
Genome position (GRCh38, 1-based): chr9:34,637,420, C>T on the plus strand (G>A on the coding strand, the complement: SIGMAR1 is on the minus strand). VCF-style: chr9-34637420-C-T. GRCh37 (hg19) VCF-style: chr9-34637417-C-T.
Other names: c.152G>A, p.Gly51Glu (NM_001282205.2, NM_001282208.2, NM_001282209.2 and 1 more transcripts); c.-102G>A (NM_001282206.2); c.92G>A, p.Gly31Glu (NM_001282207.2); short protein forms G51E, G31E.
Identifiers: ClinVar variation 1495494 (VCV001495494.6), dbSNP rs2132329730, ClinGen allele CA373275369.
Genomic context (GRCh38, chr9:34,637,420, plus strand): 5'-CCTGGGTGCAGCCGCCGCAGCTCCACGATCAGACGAGAGAAGGCCAGCTCGTGGTCCAGC[C>T]CTGGCGGAGGCAGAGGGGCGGCGGAGTCAGGGCTGGCACCGGTCCTAGGTCCGGGGATGG-3'
Protein context (NP_005857.1, residues 41-61): EIAQLARQYA[Gly51Glu]LDHELAFSRL